The following is an entry in ClinVar:

ClinVar aggregate classification (germline): Uncertain significance. Review status: criteria provided, multiple submitters, no conflicts (2 of 4 stars). 2 submissions from 2 submitters: Uncertain significance (2). Last evaluated 2025-02-24.

Conditions:
Inborn genetic diseases. Identifiers: MedGen C0950123, MeSH D030342.
Dyskeratosis congenita, autosomal recessive 5 (DKCB5). Identifiers: MedGen C3554656, MONDO:0014076, OMIM 615190.
Pulmonary fibrosis and/or bone marrow failure, Telomere-related, 3. Also called: PULMONARY FIBROSIS AND/OR BONE MARROW FAILURE SYNDROME, TELOMERE-RELATED, 3. Identifiers: Orphanet 2032, MedGen C4225346, MONDO:0014613, OMIM 616373.

gnomAD v4.1: 2 of 1,610,242 alleles (0.00012%); highest among the groups gnomAD compares: Non-Finnish European, 0.00017%; no homozygotes.

Submissions (2):

Ambry Genetics
Classification: Uncertain significance for Inborn genetic diseases. Last evaluated: 2025-02-24. Review status: criteria provided, single submitter. Criteria: Ambry Variant Classification Scheme 2023. Collection method: clinical testing. Allele origin: germline.
Comment: The p.P766L variant (also known as c.2297C>T), located in coding exon 25 of the RTEL1 gene, results from a C to T substitution at nucleotide position 2297. The proline at codon 766 is replaced by leucine, an amino acid with similar properties. This amino acid position is conserved. In addition, this alteration is predicted to be tolerated by in silico analysis. Based on the available evidence, the clinical significance of this variant remains unclear.

Labcorp Genetics (formerly Invitae), Labcorp
Classification: Uncertain significance for Dyskeratosis congenita, autosomal recessive 5; Pulmonary fibrosis and/or bone marrow failure, Telomere-related, 3. Last evaluated: 2023-10-16. Review status: criteria provided, single submitter. Criteria: Invitae Variant Classification Sherloc (09022015). Collection method: clinical testing. Allele origin: germline.
Comment: This sequence change replaces proline, which is neutral and non-polar, with leucine, which is neutral and non-polar, at codon 766 of the RTEL1 protein (p.Pro766Leu). This variant is not present in population databases (gnomAD no frequency). This variant has not been reported in the literature in individuals affected with RTEL1-related conditions. Algorithms developed to predict the effect of missense changes on protein structure and function output the following: SIFT: "Not Available"; PolyPhen-2: "Benign"; Align-GVGD: "Not Available". The leucine amino acid residue is found in multiple mammalian species, which suggests that this missense change does not adversely affect protein function. In summary, the available evidence is currently insufficient to determine the role of this variant in disease. Therefore, it has been classified as a Variant of Uncertain Significance.

NM_001283009.2(RTEL1):c.2297C>T (p.Pro766Leu)

Genes: RTEL1 (regulator of telomere elongation helicase 1; plus strand), RTEL1-TNFRSF6B (RTEL1-TNFRSF6B readthrough (NMD candidate); plus strand). Cytogenetic location: 20q13.33.
Variant type: single nucleotide variant.
Coding change: c.2297C>T on transcript NM_001283009.2 (MANE Select); coding-DNA position 2297, C replaced by T.
Protein change: p.Pro766Leu; replaces proline 766 with leucine.
Molecular consequence: missense variant. On other transcripts: non-coding transcript variant (1).
Genome position (GRCh38, 1-based): chr20:63,690,325, C>T. VCF-style: chr20-63690325-C-T. GRCh37 (hg19) VCF-style: chr20-62321678-C-T.
Other names: c.1628C>T, p.Pro543Leu (NM_001283010.1); c.2297C>T, p.Pro766Leu (NM_016434.4); c.2369C>T, p.Pro790Leu (NM_032957.5); short protein forms P790L, P543L, P766L.
Identifiers: ClinVar variation 2928561 (VCV002928561.4), dbSNP rs2090705111, ClinGen allele CA409680847.